The following is an entry in ClinVar:

ClinVar aggregate classification (germline): Pathogenic/Likely pathogenic. Review status: criteria provided, multiple submitters, no conflicts (2 of 4 stars). 10 submissions from 10 submitters: Pathogenic (4); Likely pathogenic (4). 2 of the submissions do not count toward it. Last evaluated 2026-04-01.

Conditions:
Primary ciliary dyskinesia. Also called: Ciliary dyskinesia. Identifiers: Orphanet 244, MedGen C0008780, MONDO:0016575, HP:0012265.
DNAH9-related disorder. Also called: DNAH9-related condition.
Ciliary dyskinesia, primary, 40. Also called: CILIARY DYSKINESIA, PRIMARY, 40, WITH OR WITHOUT SITUS INVERSUS. Identifiers: MedGen C4749028, MONDO:0032664, OMIM 618300.

Submissions (10):

Department of Human Genetics, Hannover Medical School
Classification: Likely pathogenic for Primary Ciliary Dyskinesia. Last evaluated: 2026-04-01. Review status: criteria provided, single submitter. Criteria: ACMG Guidelines, 2015. Collection method: research. Allele origin: germline. Affected: no.
Comment: Classification performed by HerediClassify using the following criteria:['PM2_supporting: Variant occures does not occur as homozygous in gnomAD.', 'PVS1_protein_very_strong: Transcript ENST00000262442 is predicted to undergo NMD.']

3billion
Classification: Pathogenic for Ciliary dyskinesia, primary, 40. Last evaluated: 2025-03-18. Review status: criteria provided, single submitter. Criteria: ACMG Guidelines, 2015. Collection method: clinical testing. Allele origin: germline. Affected: yes.
Comment: The variant is observed at an extremely low frequency in the gnomAD v4.1.0 dataset (total allele frequency: 0.060%). Predicted Consequence/Location: Frameshift: predicted to result in a loss or disruption of normal protein function through nonsense-mediated decay (NMD) or protein truncation. Multiple pathogenic variants are reported downstream of the variant. The variant has been reported at least twice as pathogenic with clinical assertions and evidence for the classification (ClinVar ID: VCV001455970 / PMID: 35050399).Therefore, this variant is classified as Pathogenic according to the recommendation of ACMG/AMP guideline.

Greenwood Genetic Center Diagnostic Laboratories, Greenwood Genetic Center
Classification: Pathogenic for Ciliary dyskinesia, primary, 40. Last evaluated: 2025-02-24. Review status: criteria provided, single submitter. Criteria: ACMG Guidelines, 2015. Collection method: clinical testing. Allele origin: germline. Affected: yes.
Comment: PVS1, PS3_Moderate, PM3

Labcorp Genetics (formerly Invitae), Labcorp
Classification: Pathogenic. Last evaluated: 2025-01-22. Review status: criteria provided, single submitter. Criteria: Invitae Variant Classification Sherloc (09022015). Collection method: clinical testing. Allele origin: germline.
Comment: This sequence change creates a premature translational stop signal (p.Phe103Serfs*31) in the DNAH9 gene. It is expected to result in an absent or disrupted protein product. Loss-of-function variants in DNAH9 are known to be pathogenic (PMID: 30471718). This variant is present in population databases (rs769795916, gnomAD 0.1%), and has an allele count higher than expected for a pathogenic variant. This variant has not been reported in the literature in individuals affected with DNAH9-related conditions. ClinVar contains an entry for this variant (Variation ID: 1455970). For these reasons, this variant has been classified as Pathogenic.

Blueprint Genetics
Classification: Likely pathogenic for DNAH9-related disorders. Last evaluated: 2024-11-20. Review status: criteria provided, single submitter. Criteria: ACMG Guidelines, 2015. Collection method: clinical testing. Allele origin: germline. Affected: yes. Observed: 5 variant alleles.

Baylor Genetics
Classification: Likely pathogenic for Ciliary dyskinesia, primary, 40. Last evaluated: 2023-01-04. Review status: criteria provided, single submitter. Criteria: ACMG Guidelines, 2015. Collection method: clinical testing. Allele origin: unknown.

Fulgent Genetics
Classification: Likely pathogenic for Ciliary dyskinesia, primary, 40. Last evaluated: 2022-04-02. Review status: criteria provided, single submitter. Criteria: ACMG Guidelines, 2015. Collection method: clinical testing. Allele origin: unknown.

Juno Genomics, Hangzhou Juno Genomics, Inc
Classification: Pathogenic for Ciliary dyskinesia, primary, 40. Review status: criteria provided, single submitter. Criteria: ACMG Guidelines, 2015. Collection method: clinical testing. Allele origin: germline. Affected: yes.
Comment: Absent from controls (or at extremely low frequency if recessive) in Genome Aggregation Database, Exome Sequencing Project, 1000 Genomes Project, or Exome Aggregation Consortium.;Null variant in a gene where loss of function (LOF) is a known mechanism of disease.;For recessive disorders, detected in trans with a pathogenic variant.

PreventionGenetics, part of Exact Sciences
Classification: Pathogenic for DNAH9-related condition. Last evaluated: 2024-08-02. Review status: no assertion criteria provided. Collection method: clinical testing. Allele origin: germline. Not counted in ClinVar's aggregate classification.
Comment: The DNAH9 c.308delT variant is predicted to result in a frameshift and premature protein termination (p.Phe103Serfs*31). This variant was reported in the compound heterozygous state in an individual with laterality defects and congenital heart disease (described as c.302delT, Chen et al. 2022. PubMed ID: 35050399). This variant is reported in 0.10% of alleles in individuals of European (non-Finnish) descent in gnomAD. Frameshift variants in DNAH9 are expected to be pathogenic. This variant is interpreted as pathogenic.

UNC Molecular Genetics  Laboratory, University of North Carolina at Chapel Hill
Classification: Uncertain significance for Primary ciliary dyskinesia. Last evaluated: 2021-09-04. Review status: flagged submission. Criteria: ACMG Guidelines, 2015. Collection method: clinical testing. Allele origin: germline. Observed: 1 heterozygote. Not counted in ClinVar's aggregate classification.
ClinVar note: Reason: Outlier claim with insufficient supporting evidence

Literature cited by the submitters: PubMed 35050399 (cited by 3billion); PubMed 30471718 (cited by Labcorp Genetics (formerly Invitae), Labcorp).

NM_001372.4(DNAH9):c.308del (p.Phe103fs)

Gene: DNAH9 (dynein axonemal heavy chain 9; plus strand). Cytogenetic location: 17p12.
Variant type: Deletion.
Coding change: c.308del on transcript NM_001372.4 (MANE Select); coding-DNA position 308, one base deleted (T; older notation c.308delT).
Protein change: p.Phe103fs; shifts the reading frame from phenylalanine 103.
Molecular consequence: frameshift variant.
Genome position (GRCh38, 1-based): chr17:11,598,806, T deleted; the last of 7 consecutive T bases (chr17:11,598,800-11,598,806); deleting any one gives the same sequence. VCF-style (leftmost placement, unchanged base first): chr17-11598799-CT-C. GRCh37 (hg19) VCF-style: chr17-11502116-CT-C.
Other names: c.308delT (NM_001372.3); short protein forms F103fs.
Identifiers: ClinVar variation 1455970 (VCV001455970.16), dbSNP rs769795916, ClinGen allele CA8394475.